The following is an entry in ClinVar:

ClinVar aggregate classification (germline): Uncertain significance (1 of 4 stars; one submission).

Submission:

GeneDx
Classification: Uncertain significance. Last evaluated: 2023-04-18. Review status: criteria provided, single submitter. Criteria: GeneDx Variant Classification Process June 2021. Collection method: clinical testing. Allele origin: germline. Affected: yes.
Comment: Not observed at significant frequency in large population cohorts (gnomAD); In silico analysis supports that this missense variant has a deleterious effect on protein structure/function; Has not been previously published as pathogenic or benign to our knowledge

NM_000458.4(HNF1B):c.233A>C (p.Glu78Ala)

Gene: HNF1B (HNF1 homeobox B; minus strand). Cytogenetic location: 17q12.
Variant type: single nucleotide variant.
Coding change: c.233A>C on transcript NM_000458.4 (MANE Select); coding-DNA position 233, A replaced by C.
Protein change: p.Glu78Ala; replaces glutamic acid 78 with alanine.
Molecular consequence: missense variant.
Genome position (GRCh38, 1-based): chr17:37,744,652, T>G on the plus strand (A>C on the coding strand, the complement: HNF1B is on the minus strand). VCF-style: chr17-37744652-T-G. GRCh37 (hg19) VCF-style: chr17-36104643-T-G.
Other names: c.233A>C, p.Glu78Ala (NM_001165923.4, NM_001304286.2, NM_001411100.1); short protein forms E78A.
Identifiers: ClinVar variation 2663552 (VCV002663552.1), dbSNP rs2511850894, ClinGen allele CA398753644.